The following is an entry in ClinVar:

ClinVar aggregate classification (germline): Uncertain significance. Review status: criteria provided, multiple submitters, no conflicts (2 of 4 stars). 5 submissions from 5 submitters: Uncertain significance (5). Last evaluated 2025-04-07.

Conditions:
Inborn genetic diseases. Identifiers: MedGen C0950123, MeSH D030342.
Fanconi anemia (FA). Also called: Fanconi's anemia. Identifiers: Orphanet 84, MedGen C0015625, MeSH D005199, MONDO:0019391.
Spermatogenic failure 28. Identifiers: MedGen C4748117, MONDO:0054732, OMIM 618086.
Premature ovarian failure 15. Identifiers: MedGen C4748170, MONDO:0054862, OMIM 618096.
Hereditary breast ovarian cancer syndrome. Also called: Hereditary breast and/or ovarian cancer syndrome; Hereditary breast and ovarian cancer syndrome (HBOC); Breast and ovarian cancer; Hereditary breast and ovarian cancer; BRCA1- and BRCA2-Associated Hereditary Breast and Ovarian Cancer; Hereditary breast and ovarian cancer syndrome. Identifiers: Orphanet 145, MedGen C0677776, MeSH D061325, MONDO:0003582. Disease mechanism: loss of function.

Allele frequency attached by ClinVar (database versions not stated): gnomAD exomes below 0.00001 and 0.00002; ExAC 0.00001; gnomAD 0.00001.
gnomAD v4.1: 26 of 1,423,496 alleles (0.0018%); highest among the groups gnomAD compares: East Asian, 0.057%; no homozygotes.

Submissions (5):

Labcorp Genetics (formerly Invitae), Labcorp
Classification: Uncertain significance for Fanconi anemia. Last evaluated: 2025-04-07. Review status: criteria provided, single submitter. Criteria: Invitae Variant Classification Sherloc (09022015). Collection method: clinical testing. Allele origin: germline.
Comment: This sequence change replaces phenylalanine, which is neutral and non-polar, with isoleucine, which is neutral and non-polar, at codon 1591 of the FANCM protein (p.Phe1591Ile). This variant is present in population databases (rs773152045, gnomAD 0.006%). This variant has not been reported in the literature in individuals affected with FANCM-related conditions. ClinVar contains an entry for this variant (Variation ID: 830260). An algorithm developed to predict the effect of missense changes on protein structure and function (PolyPhen-2) suggests that this variant is likely to be disruptive. In summary, the available evidence is currently insufficient to determine the role of this variant in disease. Therefore, it has been classified as a Variant of Uncertain Significance.

Ambry Genetics
Classification: Uncertain significance for Inborn genetic diseases. Last evaluated: 2024-12-21. Review status: criteria provided, single submitter. Criteria: Ambry Variant Classification Scheme 2023. Collection method: clinical testing. Allele origin: germline.
Comment: The p.F1591I variant (also known as c.4771T>A), located in coding exon 19 of the FANCM gene, results from a T to A substitution at nucleotide position 4771. The phenylalanine at codon 1591 is replaced by isoleucine, an amino acid with highly similar properties. This amino acid position is conserved. In addition, the in silico prediction for this alteration is inconclusive. Based on the available evidence, the clinical significance of this variant remains unclear.

Fulgent Genetics
Classification: Uncertain significance for Spermatogenic failure 28; Premature ovarian failure 15. Last evaluated: 2024-06-07. Review status: criteria provided, single submitter. Criteria: ACMG Guidelines, 2015. Collection method: clinical testing. Allele origin: germline.

GeneDx
Classification: Uncertain significance. Last evaluated: 2024-01-25. Review status: criteria provided, single submitter. Criteria: GeneDx Variant Classification Process June 2021. Collection method: clinical testing. Allele origin: germline. Affected: yes.
Comment: Not observed at significant frequency in large population cohorts (gnomAD); In silico analysis supports that this missense variant has a deleterious effect on protein structure/function; Has not been previously published as pathogenic or benign to our knowledge; This variant is associated with the following publications: (PMID: 32566746)

Cancer Genomics Group, Japanese Foundation For Cancer Research
Classification: Uncertain significance for Hereditary breast and ovarian cancer syndrome. Last evaluated: 2019-05-01. Review status: criteria provided, single submitter. Criteria: ACMG Guidelines, 2015. Collection method: research. Allele origin: germline. Affected: yes.

NM_020937.4(FANCM):c.4771T>A (p.Phe1591Ile)

Gene: FANCM (FA complementation group M; plus strand). Cytogenetic location: 14q21.2.
Variant type: single nucleotide variant.
Coding change: c.4771T>A on transcript NM_020937.4 (MANE Select); coding-DNA position 4771, T replaced by A.
Protein change: p.Phe1591Ile; replaces phenylalanine 1591 with isoleucine.
Molecular consequence: missense variant.
Genome position (GRCh38, 1-based): chr14:45,187,879, T>A. VCF-style: chr14-45187879-T-A. GRCh37 (hg19) VCF-style: chr14-45657082-T-A.
Other names: c.4771T>A (NM_020937.2); c.4693T>A, p.Phe1565Ile (NM_001308133.2); short protein forms F1565I, F1591I.
Identifiers: ClinVar variation 830260 (VCV000830260.11), dbSNP rs773152045, ClinGen allele CA7169847.